The following is an entry in ClinVar:

ClinVar aggregate classification (germline): Pathogenic/Likely pathogenic. Review status: criteria provided, multiple submitters, no conflicts (2 of 4 stars). 3 submissions from 3 submitters: Pathogenic (1); Likely pathogenic (2). Last evaluated 2025-03-17.

Conditions:
Synovial plica syndrome. Identifiers: MedGen C0554601, MONDO:0001468.
Mucopolysaccharidosis, MPS-III-C (MPS3C). Also called: MPS IIIC (Sanfilippo Syndrome Type C); MUCOPOLYSACCHARIDOSIS, TYPE IIIC; Mucopolysaccharidosis type IIIC (Sanfilippo C); mucopolysaccharidosis type 3C; SANFILIPPO SYNDROME C; MPS III C. Identifiers: Orphanet 581, Orphanet 79271, MedGen C0086649, MONDO:0009657, OMIM 252930.
Retinitis pigmentosa 73 (RP73). Identifiers: Orphanet 791, MedGen C4225287, MONDO:0014687, OMIM 616544.

Allele frequency attached by ClinVar (database versions not stated): gnomAD exomes below 0.00001.

Submissions (3):

Labcorp Genetics (formerly Invitae), Labcorp
Classification: Pathogenic for Retinitis pigmentosa 73; Mucopolysaccharidosis, MPS-III-C. Last evaluated: 2025-03-17. Review status: criteria provided, single submitter. Criteria: Invitae Variant Classification Sherloc (09022015). Collection method: clinical testing. Allele origin: germline.
Comment: This sequence change creates a premature translational stop signal (p.Arg309*) in the HGSNAT gene. It is expected to result in an absent or disrupted protein product. Loss-of-function variants in HGSNAT are known to be pathogenic (PMID: 17033958, 19479962, 25859010). This variant is not present in population databases (gnomAD no frequency). This variant has not been reported in the literature in individuals affected with HGSNAT-related conditions. ClinVar contains an entry for this variant (Variation ID: 983607). For these reasons, this variant has been classified as Pathogenic.

Sydney Genome Diagnostics, Children's Hospital Westmead
Classification: Likely pathogenic for Synovial plica syndrome. Last evaluated: 2021-07-07. Review status: criteria provided, single submitter. Criteria: ACMG Guidelines, 2015. Collection method: clinical testing. Allele origin: germline.
Comment: This variant creates a premature stop codon p.(Arg309*) and may result in a null allele due to nonsense-mediated mRNA decay. The variant has not been reported in any population databases (i.e. gnomAD v2.1.1, ESP or dbSNP). To our knowledge, this variant has not been previously reported in the literature or any disease specific databases. However, other truncating variants downstream of this amino acid have been described in ClinVar ([gene] accessed: 07/07/2021). This variant is considered to be a likely pathogenic/pathogenic according to the ACMG guidelines (evidence used: PVS1, PM2).

Myriad Genetics, Inc.
Classification: Likely pathogenic for Mucopolysaccharidosis, MPS-III-C. Last evaluated: 2019-07-18. Review status: criteria provided, single submitter. Criteria: Myriad Women's Health Autosomal Recessive and X-Linked Classification Criteria (2019). Collection method: clinical testing. Allele origin: unknown.
Comment: NM_152419.2(HGSNAT):c.925A>T(R309*) is expected to be pathogenic in the context of mucopolysaccharidosis type IIIC. This variant is predicted to lead to an abnormal or absent protein product due to the creation of a premature termination codon in HGSNAT, a gene where loss-of-function variants are known to be pathogenic. Please note: this variant was assessed in the context of healthy population screening.

Literature cited by the submitters: PubMed 17033958 (cited by Labcorp Genetics (formerly Invitae), Labcorp); PubMed 19479962 (cited by Labcorp Genetics (formerly Invitae), Labcorp); PubMed 25859010 (cited by Labcorp Genetics (formerly Invitae), Labcorp).

NM_152419.3(HGSNAT):c.925A>T (p.Arg309Ter)

Gene: HGSNAT (heparan-alpha-glucosaminide N-acetyltransferase; plus strand). Cytogenetic location: 8p11.21.
Variant type: single nucleotide variant.
Coding change: c.925A>T on transcript NM_152419.3 (MANE Select); coding-DNA position 925, A replaced by T.
Protein change: p.Arg309Ter; replaces arginine 309 with a stop codon.
Molecular consequence: nonsense. On other transcripts: intron variant (1).
Genome position (GRCh38, 1-based): chr8:43,178,147, A>T. VCF-style: chr8-43178147-A-T. GRCh37 (hg19) VCF-style: chr8-43033290-A-T.
Other names: c.925A>T, p.Arg309Ter (NM_001363227.2); c.61A>T, p.Arg21Ter (NM_001363229.2); c.821-3998A>T (NM_001363228.2); short protein forms R21*, R309*.
Identifiers: ClinVar variation 983607 (VCV000983607.10), dbSNP rs1803878901, ClinGen allele CA371117099.